The following is an entry in ClinVar:

NM_003931.3(WASF1):c.1184A>G (p.Gln395Arg)

Gene: WASF1 (WASP family member 1; minus strand). Cytogenetic location: 6q21.
Variant type: single nucleotide variant.
Coding change: c.1184A>G on transcript NM_003931.3 (MANE Select); coding-DNA position 1184, A replaced by G.
Protein change: p.Gln395Arg; replaces glutamine 395 with arginine.
Molecular consequence: missense variant.
Genome position (GRCh38, 1-based): chr6:110,101,926, T>C on the plus strand (A>G on the coding strand, the complement: WASF1 is on the minus strand). VCF-style: chr6-110101926-T-C. GRCh37 (hg19) VCF-style: chr6-110423129-T-C.
Other names: c.1184A>G, p.Gln395Arg (NM_001024934.2, NM_001024935.2, NM_001024936.2); short protein forms Q395R.
Identifiers: ClinVar variation 1801142 (VCV001801142.1), dbSNP rs1332874835, ClinGen allele CA365348442.
Genomic context (GRCh38, chr6:110,101,926, plus strand): 5'-AGTGGATGAACTGGTACAGTCTCACATACTGGGGCAGCTCTAGCTACTGGTGGAGAGGGC[T>C]GTACTAGAGGAGGTGCAATTGGAGGAGGAGCTGGGTGAAGAACTCCAGGGGCAATCTGAA-3'
Protein context (NP_003922.1, residues 385-405): APPPIAPPLV[Gln395Arg]PSPPVARAAP

ClinVar aggregate classification (germline): Uncertain significance (1 of 4 stars; one submission).

Allele frequency attached by ClinVar (database versions not stated): TOPMed below 0.00001.
gnomAD v4.1: 2 of 1,611,134 alleles (0.00012%); highest among the groups gnomAD compares: Non-Finnish European, 0.00017%; no homozygotes.

Submission:

GeneDx
Classification: Uncertain significance. Last evaluated: 2022-05-27. Review status: criteria provided, single submitter. Criteria: GeneDx Variant Classification Process June 2021. Collection method: clinical testing. Allele origin: germline. Affected: yes.
Comment: Not observed at significant frequency in large population cohorts (gnomAD); In silico analysis supports that this missense variant does not alter protein structure/function; Has not been previously published as pathogenic or benign to our knowledge